The following is an entry in ClinVar:

ClinVar aggregate classification (germline): Uncertain significance. Review status: criteria provided, multiple submitters, no conflicts (2 of 4 stars). 3 submissions from 3 submitters: Uncertain significance (3). Last evaluated 2025-11-05.

Conditions:
Platelet-type bleeding disorder 16 (BDPLT16). Also called: Bleeding disorder, platelet-type, 16, autosomal dominant. Identifiers: Orphanet 140957, MedGen C5442010, MONDO:0008552, OMIM 187800.
Glanzmann thrombasthenia 1 (GT1). Also called: BLEEDING DISORDER, PLATELET-TYPE, 2; GP IIb-IIIa COMPLEX DEFICIENCY; GLYCOPROTEIN COMPLEX IIb-IIIa DEFICIENCY; PLATELET FIBRINOGEN RECEPTOR DEFICIENCY. Identifiers: MedGen CN300358, MONDO:0031332, OMIM 273800.
Glanzmann thrombasthenia. Also called: THROMBASTHENIA OF GLANZMANN AND NAEGELI; Glanzmann's thrombasthenia; PLATELET GLYCOPROTEIN IIb-IIIa DEFICIENCY; Thrombasthenia. Identifiers: Orphanet 849, MedGen C0040015, MONDO:0100326.

Allele frequency attached by ClinVar (database versions not stated): gnomAD exomes below 0.00001; TOPMed below 0.00001; gnomAD 0.00001.
gnomAD v4.1: 7 of 1,613,858 alleles (0.00043%); highest among the groups gnomAD compares: Non-Finnish European, 0.00059%; no homozygotes.

Submissions (3):

Clinical Genomics Laboratory, Washington University in St. Louis
Classification: Uncertain significance for Glanzmann thrombasthenia 1; Platelet-type bleeding disorder 16. Last evaluated: 2025-11-05. Review status: criteria provided, single submitter. Criteria: ACMG Guidelines, 2015. Collection method: clinical testing. Allele origin: germline.
Comment: The ITGA2B c.655G>A (p.Gly219Ser) variant, to our knowledge, has not been reported in the medical literature but has been reported in the ClinVar database as a germline variant of uncertain significance by one submitter. This variant is absent from the general population (gnomAD v2.1.1), indicating it is not a common variant. This variant does not occur in a known functional domain and computational predictors suggest that the variant does not impact ITGA2B function. Due to limited information, and based on ACMG/AMP guidelines for variant interpretation (Richards S et al., PMID: 25741868), the clinical significance of this variant is uncertain at this time.

Labcorp Genetics (formerly Invitae), Labcorp
Classification: Uncertain significance for Glanzmann thrombasthenia. Last evaluated: 2025-05-22. Review status: criteria provided, single submitter. Criteria: Invitae Variant Classification Sherloc (09022015). Collection method: clinical testing. Allele origin: germline.
Comment: This sequence change replaces glycine, which is neutral and non-polar, with serine, which is neutral and polar, at codon 219 of the ITGA2B protein (p.Gly219Ser). This variant is not present in population databases (gnomAD no frequency). This variant has not been reported in the literature in individuals affected with ITGA2B-related conditions. ClinVar contains an entry for this variant (Variation ID: 2895139). Invitae Evidence Modeling of protein sequence and biophysical properties (such as structural, functional, and spatial information, amino acid conservation, physicochemical variation, residue mobility, and thermodynamic stability) indicates that this missense variant is expected to disrupt ITGA2B protein function with a positive predictive value of 95%. In summary, the available evidence is currently insufficient to determine the role of this variant in disease. Therefore, it has been classified as a Variant of Uncertain Significance.

Blueprint Genetics
Classification: Uncertain significance. Last evaluated: 2021-09-24. Review status: criteria provided, single submitter. Criteria: ACMG Guidelines, 2015. Collection method: clinical testing. Allele origin: germline.

NM_000419.5(ITGA2B):c.655G>A (p.Gly219Ser)

Gene: ITGA2B (integrin subunit alpha 2b; minus strand). Cytogenetic location: 17q21.31.
Variant type: single nucleotide variant.
Coding change: c.655G>A on transcript NM_000419.5 (MANE Select); coding-DNA position 655, G replaced by A.
Protein change: p.Gly219Ser; replaces glycine 219 with serine.
Molecular consequence: missense variant.
Genome position (GRCh38, 1-based): chr17:44,385,179, C>T on the plus strand (G>A on the coding strand, the complement: ITGA2B is on the minus strand). VCF-style: chr17-44385179-C-T. GRCh37 (hg19) VCF-style: chr17-42462547-C-T.
Other names: short protein forms G219S.
Identifiers: ClinVar variation 2895139 (VCV002895139.5), dbSNP rs2048633615, ClinGen allele CA399805494.
Genomic context (GRCh38, chr17:44,385,179, plus strand): 5'-CCTTGGGCCGCGAGAAGGGAGGGAGGTGTACGGATGGGCACGTACCTAAGAAATAATAGC[C>T]GCCAGGAGCCCCAAGCACCAGCTCTCCGGCCTGGAAGGGAAGTCCTGAGGGTGAGAGGGG-3'
Protein context (NP_000410.2, residues 209-229): AGELVLGAPG[Gly219Ser]YYFLGLLAQA